The following is an entry in ClinVar:

NM_006885.4(ZFHX3):c.2343G>A (p.Ala781=)

Gene: ZFHX3 (zinc finger homeobox 3; minus strand). Cytogenetic location: 16q22.3.
Variant type: single nucleotide variant.
Coding change: c.2343G>A on transcript NM_006885.4 (MANE Select); coding-DNA position 2343, G replaced by A.
Protein change: p.Ala781=; no amino-acid change (alanine 781 retained).
Molecular consequence: synonymous variant. On other transcripts: intron variant (1).
Genome position (GRCh38, 1-based): chr16:72,957,803, C>T on the plus strand (G>A on the coding strand, the complement: ZFHX3 is on the minus strand). VCF-style: chr16-72957803-C-T. GRCh37 (hg19) VCF-style: chr16-72991702-C-T.
Other names: c.2343G>A, p.Ala781= (NM_001386735.1); c.-23-6838G>A (NM_001164766.2).
Identifiers: ClinVar variation 3037216 (VCV003037216.8), dbSNP rs369675306, ClinGen allele CA8164454.

ClinVar aggregate classification (germline): Likely benign. Review status: criteria provided, single submitter (1 of 4 stars). 2 submissions from 2 submitters: Likely benign (1). 1 of the submissions does not count toward it. Last evaluated 2026-09-01.

Conditions:
ZFHX3-related disorder. Also called: ZFHX3-related condition.

Allele frequency attached by ClinVar (database versions not stated): ESP Exome Variant Server 0.00023; 1000 Genomes Project 0.00060.
gnomAD v4.1: 736 of 1,591,386 alleles (0.046%); highest among the groups gnomAD compares: Admixed American, 0.9%; 3 homozygotes.

Submissions (2):

CeGaT Center for Human Genetics Tuebingen
Classification: Likely benign. Last evaluated: 2026-09-01. Review status: criteria provided, single submitter. Criteria: CeGaT Center For Human Genetics Tuebingen Variant Classification Criteria Version 2. Collection method: clinical testing. Allele origin: germline. Affected: yes. Observed: 4 variant alleles.
Comment: ZFHX3: BP4, BP7

PreventionGenetics, part of Exact Sciences
Classification: Benign for ZFHX3-related condition. Last evaluated: 2019-07-19. Review status: no assertion criteria provided. Collection method: clinical testing. Allele origin: germline. Not counted in ClinVar's aggregate classification.
Comment: This variant is classified as benign based on ACMG/AMP sequence variant interpretation guidelines (Richards et al. 2015 PMID: 25741868, with internal and published modifications).